The following is an entry in ClinVar:

ClinVar aggregate classification (germline): Likely benign (1 of 4 stars; one submission).

Allele frequency attached by ClinVar (database versions not stated): gnomAD exomes 0.00016; ExAC 0.00048; ESP Exome Variant Server 0.00131; 1000 Genomes Project 0.00200; gnomAD 0.00200; 1000 Genomes Project 30x 0.00203.
gnomAD v4.1: 545 of 1,552,338 alleles (0.035%); highest among the groups gnomAD compares: African/African-American, 0.61%; 4 homozygotes.

Submission:

CeGaT Center for Human Genetics Tuebingen
Classification: Likely benign. Last evaluated: 2022-09-01. Review status: criteria provided, single submitter. Criteria: CeGaT Center For Human Genetics Tuebingen Variant Classification Criteria Version 2. Collection method: clinical testing. Allele origin: germline. Affected: yes. Observed: 1 variant allele.
Comment: NXPE2: BP4

NM_182495.6(NXPE2):c.1484T>C (p.Ile495Thr)

Gene: NXPE2 (neurexophilin and PC-esterase domain family member 2; plus strand). Cytogenetic location: 11q23.3.
Variant type: single nucleotide variant.
Coding change: c.1484T>C on transcript NM_182495.6 (MANE Select); coding-DNA position 1484, T replaced by C.
Protein change: p.Ile495Thr; replaces isoleucine 495 with threonine.
Molecular consequence: missense variant.
Genome position (GRCh38, 1-based): chr11:114,706,734, T>C. VCF-style: chr11-114706734-T-C. GRCh37 (hg19) VCF-style: chr11-114577456-T-C.
Other names: short protein forms I495T.
Identifiers: ClinVar variation 2642391 (VCV002642391.24), dbSNP rs7108474, ClinGen allele CA6287358.